The following is an entry in ClinVar:

NM_000170.3(GLDC):c.2316-1G>A

Gene: GLDC (glycine decarboxylase; minus strand). Cytogenetic location: 9p24.1.
Variant type: single nucleotide variant.
Coding change: c.2316-1G>A on transcript NM_000170.3 (MANE Select); the canonical splice acceptor site of the intron before coding-DNA position 2316, G replaced by A.
Molecular consequence: splice acceptor variant.
Genome position (GRCh38, 1-based): chr9:6,553,510, C>T on the plus strand (G>A on the coding strand, the complement: GLDC is on the minus strand). VCF-style: chr9-6553510-C-T. GRCh37 (hg19) VCF-style: chr9-6553510-C-T.
Identifiers: ClinVar variation 56073 (VCV000056073.33), dbSNP rs386833554, ClinGen allele CA263362.

ClinVar aggregate classification (germline): Pathogenic. Review status: criteria provided, multiple submitters, no conflicts (2 of 4 stars). 11 submissions from 11 submitters: Pathogenic (10). 1 of the submissions does not count toward it. Last evaluated 2025-09-19.

Conditions:
GLDC-related disorders.
GLDC-related disorder. Also called: GLDC-related condition.
Glycine encephalopathy 1 (GCE1). Identifiers: MedGen CN376801, MONDO:0958179, OMIM 605899.
Glycine encephalopathy. Also called: Nonketotic hyperglycinemia; Non-ketotic hyperglycinemia. Identifiers: Orphanet 407, MedGen C0751748, MONDO:0011612, HP:0008288.

Allele frequency attached by ClinVar (database versions not stated): TOPMed below 0.00001; gnomAD exomes 0.00003 and 0.00009; ExAC 0.00002.
gnomAD v4.1: 124 of 1,601,514 alleles (0.0077%); highest among the groups gnomAD compares: Non-Finnish European, 0.01%; no homozygotes.

Submissions (11):

Natera, Inc.
Classification: Pathogenic for Non-ketotic hyperglycinemia. Last evaluated: 2025-09-19. Review status: criteria provided, single submitter. Criteria: Natera Variant Classification Schema (03/2026). Collection method: clinical testing. Allele origin: germline.
Comment: The c.2316-1G>A variant in GLDC is a canonical splice acceptor site variant predicted to affect pre-mRNA splicing, which may result in an abnormal transcript and altered protein product. This variant is expected to result in nonsense mediated decay, truncation, or a dysfunctional protein product. This variant is rare in the general population with a frequency below the threshold expected for the associated phenotype(s). This variant has been observed in one or more individuals affected with the associated recessive disease, as either homozygous or compound heterozygous with a second variant (PMID: 26179960). Given the available evidence, this variant is classified as Pathogenic.

Labcorp Genetics (formerly Invitae), Labcorp
Classification: Pathogenic for Glycine encephalopathy. Last evaluated: 2025-09-10. Review status: criteria provided, single submitter. Criteria: Invitae Variant Classification Sherloc (09022015). Collection method: clinical testing. Allele origin: germline.
Comment: This sequence change affects an acceptor splice site in intron 19 of the GLDC gene. It is expected to disrupt RNA splicing. Variants that disrupt the donor or acceptor splice site typically lead to a loss of protein function (PMID: 16199547), and loss-of-function variants in GLDC are known to be pathogenic (PMID: 16601880). This variant is present in population databases (rs386833554, gnomAD 0.007%). Disruption of this splice site has been observed in individuals with glycine encephalopathy/nonketotic hyperglycinemia (PMID: 16601880, 26179960, 27362913). ClinVar contains an entry for this variant (Variation ID: 56073). Algorithms developed to predict the effect of sequence changes on RNA splicing suggest that this variant may disrupt the consensus splice site. For these reasons, this variant has been classified as Pathogenic.

Fulgent Genetics
Classification: Pathogenic for Glycine encephalopathy 1. Last evaluated: 2024-06-02. Review status: criteria provided, single submitter. Criteria: ACMG Guidelines, 2015. Collection method: clinical testing. Allele origin: germline.

GeneDx
Classification: Pathogenic. Last evaluated: 2023-10-12. Review status: criteria provided, single submitter. Criteria: GeneDx Variant Classification Process June 2021. Collection method: clinical testing. Allele origin: germline. Affected: yes.
Comment: Canonical splice site variant predicted to result in a null allele in a gene for which loss of function is a known mechanism of disease; Not observed at significant frequency in large population cohorts (gnomAD); This variant is associated with the following publications: (PMID: 22171071, 29232014, 27362913, 25525159, 16601880, 16199547, 37334785, 26179960)

Blueprint Genetics
Classification: Pathogenic for GLDC-related disorders. Last evaluated: 2023-02-22. Review status: criteria provided, single submitter. Criteria: ACMG Guidelines, 2015. Collection method: clinical testing. Allele origin: germline. Affected: yes. Observed: 5 variant alleles.

PreventionGenetics, part of Exact Sciences
Classification: Pathogenic for GLDC-related condition. Last evaluated: 2022-10-02. Review status: criteria provided, single submitter. Criteria: ACMG Guidelines, 2015. Collection method: clinical testing. Allele origin: germline.
Comment: The GLDC c.2316-1G>A variant is predicted to disrupt the AG splice acceptor site and interfere with normal splicing. This variant is predicted to abolish the canonical splicing acceptor site at the junction of intron 19 and exon 20 (Alamut Visual v2.11). This variant has been reported in the compound heterozygous and homozygous state in multiple individuals to be causative for autosomal recessive glycine encephalopathy (Conter et al. 2006. PubMed ID: 16601880; Table S1, Swanson et al. 2015. PubMed ID: 26179960). This variant is classified as pathogenic.

Myriad Genetics, Inc.
Classification: Pathogenic for Glycine encephalopathy 1. Last evaluated: 2021-11-08. Review status: criteria provided, single submitter. Criteria: Myriad Women's Health Autosomal Recessive and X-Linked Classification Criteria (2021). Collection method: clinical testing. Allele origin: unknown.
Comment: NM_000170.2(GLDC):c.2316-1G>A is a canonical splice variant classified as pathogenic in the context of glycine encephalopathy, GLDC-related. c.2316-1G>A has been observed in cases with relevant disease (PMID: 22171071, 26179960). Functional assessments of this variant are not available in the literature. c.2316-1G>A has been observed in population frequency databases (gnomAD: NFE 0.01%). In summary, NM_000170.2(GLDC):c.2316-1G>A is a canonical splice variant in a gene where loss of function is a known mechanism of disease, is predicted to disrupt protein function, and has been observed more frequently in cases with the relevant disease than in healthy populations. Please note: this variant was assessed in the context of healthy population screening.

Revvity Omics, Revvity
Classification: Pathogenic for Glycine encephalopathy 1. Last evaluated: 2021-09-15. Review status: criteria provided, single submitter. Criteria: ACMG Guidelines, 2015. Collection method: clinical testing. Allele origin: germline.

Women's Health and Genetics/Laboratory Corporation of America, LabCorp
Classification: Pathogenic for Non-ketotic hyperglycinemia. Last evaluated: 2019-11-07. Review status: criteria provided, single submitter. Criteria: LabCorp Variant Classification Summary - May 2015. Collection method: clinical testing. Allele origin: germline.
Comment: Variant summary: GLDC c.2316-1G>A is located in a canonical splice-site and is predicted to affect mRNA splicing resulting in a significantly altered protein due to either exon skipping, shortening, or inclusion of intronic material. Several computational tools predict a significant impact on normal splicing: Two predict that the variant abolishes a 3' acceptor site. However, these predictions have yet to be confirmed by functional studies. The variant allele was found at a frequency of 3.2e-05 in 248604 control chromosomes (gnomAD). c.2316-1G>A has been reported in the literature in multiple individuals affected with Glycine Encephalopathy (Non-Ketotic Hyperglycinemia; e.g. Conter_2006, Swanson_2015, Coughlin_2017). These data indicate that the variant is very likely to be associated with disease. To our knowledge, no experimental evidence demonstrating an impact on protein function has been reported. Three clinical diagnostic laboratories have submitted clinical-significance assessments for this variant to ClinVar after 2014 without evidence for independent evaluation. All laboratories cited the variant as pathogenic. Based on the evidence outlined above, the variant was classified as pathogenic.

Eurofins Ntd Llc (ga)
Classification: Pathogenic. Last evaluated: 2018-08-01. Review status: criteria provided, single submitter. Criteria: EGL ClinVar v180209 classification definitions. Collection method: clinical testing. Allele origin: germline. Observed: 1 variant allele, 1 heterozygote.

Juha Muilu Group; Institute for Molecular Medicine Finland (FIMM)
Classification: Likely pathogenic for Non-ketotic hyperglycinemia. Review status: no assertion criteria provided. Collection method: not provided. Allele origin: unknown. Not counted in ClinVar's aggregate classification.
Comment: FinDis database variant: This variant was not found or characterized by our laboratory, data were collected from public sources: see reference
ClinVar note: Converted during submission from probable-pathogenic to Likely pathogenic.

Literature cited by the submitters: PubMed 26179960 (cited by 4 submitters); PubMed 16199547 (cited by Labcorp Genetics (formerly Invitae), Labcorp); PubMed 16601880 (cited by Labcorp Genetics (formerly Invitae), Labcorp and Women's Health and Genetics/Laboratory Corporation of America, LabCorp); PubMed 27362913 (cited by Labcorp Genetics (formerly Invitae), Labcorp and Women's Health and Genetics/Laboratory Corporation of America, LabCorp); PubMed 22171071 (cited by Myriad Genetics, Inc. and Women's Health and Genetics/Laboratory Corporation of America, LabCorp); PubMed 29232014 (cited by Women's Health and Genetics/Laboratory Corporation of America, LabCorp).